The following is an entry in ClinVar:

NM_014000.3(VCL):c.487A>G (p.Asn163Asp)

Gene: VCL (vinculin; plus strand). Cytogenetic location: 10q22.2.
Variant type: single nucleotide variant.
Coding change: c.487A>G on transcript NM_014000.3 (MANE Select); coding-DNA position 487, A replaced by G.
Protein change: p.Asn163Asp; replaces asparagine 163 with aspartic acid.
Molecular consequence: missense variant.
Genome position (GRCh38, 1-based): chr10:74,071,071, A>G. VCF-style: chr10-74071071-A-G. GRCh37 (hg19) VCF-style: chr10-75830829-A-G.
Other names: c.487A>G (NM_014000.2); c.487A>G, p.Asn163Asp (NM_003373.4); short protein forms N163D.
Identifiers: ClinVar variation 1063922 (VCV001063922.9), dbSNP rs2136272931, ClinGen allele CA377266817.

ClinVar aggregate classification (germline): Uncertain significance. Review status: criteria provided, multiple submitters, no conflicts (2 of 4 stars). 2 submissions from 2 submitters: Uncertain significance (2). Last evaluated 2025-12-01.

Conditions:
Cardiovascular phenotype. Identifiers: MedGen CN230736.
Dilated cardiomyopathy 1W (CMD1W). Identifiers: Orphanet 154, MedGen C1969639, MONDO:0012667, OMIM 611407.

Allele frequency attached by ClinVar (database versions not stated): gnomAD exomes below 0.00001.
gnomAD v4.1: 2 of 1,614,114 alleles (0.00012%); highest among the groups gnomAD compares: Non-Finnish European, 0.00017%; no homozygotes.

Submissions (2):

Ambry Genetics
Classification: Uncertain significance for Cardiovascular phenotype. Last evaluated: 2025-12-01. Review status: criteria provided, single submitter. Criteria: Ambry Variant Classification Scheme 2023. Collection method: clinical testing. Allele origin: germline.
Comment: The p.N163D variant (also known as c.487A>G), located in coding exon 4 of the VCL gene, results from an A to G substitution at nucleotide position 487. The asparagine at codon 163 is replaced by aspartic acid, an amino acid with highly similar properties. This amino acid position is conserved. In addition, this alteration is predicted to be tolerated by in silico analysis. Since supporting evidence is limited at this time, the clinical significance of this alteration remains unclear.

Labcorp Genetics (formerly Invitae), Labcorp
Classification: Uncertain significance for Dilated cardiomyopathy 1W. Last evaluated: 2025-10-02. Review status: criteria provided, single submitter. Criteria: Invitae Variant Classification Sherloc (09022015). Collection method: clinical testing. Allele origin: germline.
Comment: This sequence change replaces asparagine, which is neutral and polar, with aspartic acid, which is acidic and polar, at codon 163 of the VCL protein (p.Asn163Asp). This variant is not present in population databases (gnomAD no frequency). This variant has not been reported in the literature in individuals affected with VCL-related conditions. ClinVar contains an entry for this variant (Variation ID: 1063922). An algorithm developed to predict the effect of missense changes on protein structure and function (PolyPhen-2) suggests that this variant is likely to be disruptive. In summary, the available evidence is currently insufficient to determine the role of this variant in disease. Therefore, it has been classified as a Variant of Uncertain Significance.